The following is an entry in ClinVar:

ClinVar aggregate classification (germline): Uncertain significance (1 of 4 stars; one submission).

Conditions:
COL11A1-related disorder. Also called: COL11A1-related condition; COL11A1-related disorders.

Submission:

Labcorp Genetics (formerly Invitae), Labcorp
Classification: Uncertain significance. Last evaluated: 2025-05-22. Review status: criteria provided, single submitter. Criteria: Invitae Variant Classification Sherloc (09022015). Collection method: clinical testing. Allele origin: germline.
Comment: This sequence change replaces proline, which is neutral and non-polar, with leucine, which is neutral and non-polar, at codon 1365 of the COL11A1 protein (p.Pro1365Leu). This variant is not present in population databases (gnomAD no frequency). This variant has not been reported in the literature in individuals affected with COL11A1-related conditions. ClinVar contains an entry for this variant (Variation ID: 1475362). Invitae Evidence Modeling of protein sequence and biophysical properties (such as structural, functional, and spatial information, amino acid conservation, physicochemical variation, residue mobility, and thermodynamic stability) indicates that this missense variant is not expected to disrupt COL11A1 protein function with a negative predictive value of 80%. In summary, the available evidence is currently insufficient to determine the role of this variant in disease. Therefore, it has been classified as a Variant of Uncertain Significance.

NM_001854.4(COL11A1):c.4094C>T (p.Pro1365Leu)

Gene: COL11A1 (collagen type XI alpha 1 chain; minus strand). Cytogenetic location: 1p21.1.
Variant type: single nucleotide variant.
Coding change: c.4094C>T on transcript NM_001854.4 (MANE Select); coding-DNA position 4094, C replaced by T.
Protein change: p.Pro1365Leu; replaces proline 1365 with leucine.
Molecular consequence: missense variant. On other transcripts: non-coding transcript variant (1).
Genome position (GRCh38, 1-based): chr1:102,898,987, G>A on the plus strand (C>T on the coding strand, the complement: COL11A1 is on the minus strand). VCF-style: chr1-102898987-G-A. GRCh37 (hg19) VCF-style: chr1-103364543-G-A.
Other names: c.3977C>T, p.Pro1326Leu (NM_001190709.2); c.4130C>T, p.Pro1377Leu (NM_080629.3); c.3746C>T, p.Pro1249Leu (NM_080630.4); short protein forms P1326L, P1377L, P1249L, P1365L.
Identifiers: ClinVar variation 1475362 (VCV001475362.8), dbSNP rs1652816919, ClinGen allele CA341155851.